The following is an entry in ClinVar:

NM_144997.7(FLCN):c.157C>T (p.Gln53Ter)

Gene: FLCN (folliculin; minus strand). Cytogenetic location: 17p11.2.
Variant type: single nucleotide variant.
Coding change: c.157C>T on transcript NM_144997.7 (MANE Select); coding-DNA position 157, C replaced by T.
Protein change: p.Gln53Ter; replaces glutamine 53 with a stop codon.
Molecular consequence: nonsense.
Genome position (GRCh38, 1-based): chr17:17,227,981, G>A on the plus strand (C>T on the coding strand, the complement: FLCN is on the minus strand). VCF-style: chr17-17227981-G-A. GRCh37 (hg19) VCF-style: chr17-17131295-G-A.
Other names: c.157C>T, p.Gln53Ter (NM_001353229.2, NM_001353230.2, NM_001353231.2 and 1 more transcripts); short protein forms Q53*.
Identifiers: ClinVar variation 4710321 (VCV004710321.1).

ClinVar aggregate classification (germline): Pathogenic (1 of 4 stars; one submission).

Conditions:
Birt-Hogg-Dube syndrome. Also called: Birt Hogg Dubé syndrome. Identifiers: Orphanet 122, MedGen C0346010, MONDO:0800444.

Submission:

Labcorp Genetics (formerly Invitae), Labcorp
Classification: Pathogenic for Birt-Hogg-Dube syndrome. Last evaluated: 2025-07-21. Review status: criteria provided, single submitter. Criteria: Invitae Variant Classification Sherloc (09022015). Collection method: clinical testing. Allele origin: germline.
Comment: This sequence change creates a premature translational stop signal (p.Gln53*) in the FLCN gene. It is expected to result in an absent or disrupted protein product. Loss-of-function variants in FLCN are known to be pathogenic (PMID: 15852235). This variant is not present in population databases (gnomAD no frequency). This premature translational stop signal has been observed in individual(s) with Birt-Hogg-Dubé syndrome (PMID: 8558743). Algorithms developed to predict the effect of sequence changes on RNA splicing suggest that this variant may disrupt the consensus splice site. For these reasons, this variant has been classified as Pathogenic.

Literature cited by the submitters: PubMed 15852235; PubMed 8558743.